The following is an entry in ClinVar:

NM_138694.4(PKHD1):c.7591C>T (p.Leu2531=)

Gene: PKHD1 (PKHD1 ciliary IPT domain containing fibrocystin/polyductin; minus strand). Cytogenetic location: 6p12.2.
Variant type: single nucleotide variant.
Coding change: c.7591C>T on transcript NM_138694.4 (MANE Select); coding-DNA position 7591, C replaced by T.
Protein change: p.Leu2531=; no amino-acid change (leucine 2531 retained).
Molecular consequence: synonymous variant.
Genome position (GRCh38, 1-based): chr6:51,868,005, G>A on the plus strand (C>T on the coding strand, the complement: PKHD1 is on the minus strand). VCF-style: chr6-51868005-G-A. GRCh37 (hg19) VCF-style: chr6-51732803-G-A.
Other names: c.7591C>T, p.Leu2531= (NM_170724.3); c.7591C>T (NM_138694.3).
Identifiers: ClinVar variation 1131071 (VCV001131071.33), dbSNP rs150559372, ClinGen allele CA3851891.

ClinVar aggregate classification (germline): Likely benign. Review status: criteria provided, multiple submitters, no conflicts (2 of 4 stars). 3 submissions from 3 submitters: Likely benign (2). 1 of the submissions does not count toward it. Last evaluated 2026-02-01.

Conditions:
Autosomal recessive polycystic kidney disease (ARPKD). Also called: AR polycystic kidney disease. Identifiers: Orphanet 731, Orphanet 8378, MedGen C0085548, MeSH D017044, MONDO:0009889.
PKHD1-related disorder. Also called: PKHD1-related condition.

Allele frequency attached by ClinVar (database versions not stated): gnomAD 0.00004 and 0.00007; TOPMed 0.00006; ESP Exome Variant Server 0.00008; gnomAD exomes 0.00018; ExAC 0.00020; 1000 Genomes Project 30x 0.00062; 1000 Genomes Project 0.00080.
gnomAD v4.1: 130 of 1,613,212 alleles (0.0081%); highest among the groups gnomAD compares: South Asian, 0.082%; no homozygotes.

Submissions (3):

Labcorp Genetics (formerly Invitae), Labcorp
Classification: Likely benign for Autosomal recessive polycystic kidney disease. Last evaluated: 2026-02-01. Review status: criteria provided, single submitter. Criteria: Invitae Variant Classification Sherloc (09022015). Collection method: clinical testing. Allele origin: germline.

CeGaT Center for Human Genetics Tuebingen
Classification: Likely benign. Last evaluated: 2022-12-01. Review status: criteria provided, single submitter. Criteria: CeGaT Center For Human Genetics Tuebingen Variant Classification Criteria Version 2. Collection method: clinical testing. Allele origin: germline. Affected: yes. Observed: 1 variant allele.
Comment: PKHD1: BP4, BP7

PreventionGenetics, part of Exact Sciences
Classification: Likely benign for PKHD1-related condition. Last evaluated: 2024-05-22. Review status: no assertion criteria provided. Collection method: clinical testing. Allele origin: germline. Not counted in ClinVar's aggregate classification.
Comment: This variant is classified as likely benign based on ACMG/AMP sequence variant interpretation guidelines (Richards et al. 2015 PMID: 25741868, with internal and published modifications).